The following is an entry in ClinVar:

ClinVar aggregate classification (germline): Uncertain significance (1 of 4 stars; one submission).

Conditions:
Cardiovascular phenotype. Identifiers: MedGen CN230736.

Allele frequency attached by ClinVar (database versions not stated): gnomAD exomes below 0.00001.
gnomAD v4.1: 2 of 1,605,076 alleles (0.00012%); highest among the groups gnomAD compares: Non-Finnish European, 0.00017%; no homozygotes.

Submission:

Ambry Genetics
Classification: Uncertain significance for Cardiovascular phenotype. Last evaluated: 2021-12-29. Review status: criteria provided, single submitter. Criteria: Ambry Variant Classification Scheme 2023. Collection method: clinical testing. Allele origin: germline.
Comment: The p.H3588Y variant (also known as c.10762C>T), located in coding exon 76 of the RYR2 gene, results from a C to T substitution at nucleotide position 10762. The histidine at codon 3588 is replaced by tyrosine, an amino acid with similar properties. This amino acid position is highly conserved in available vertebrate species. In addition, the in silico prediction for this alteration is inconclusive. Since supporting evidence is limited at this time, the clinical significance of this alteration remains unclear.

NM_001035.3(RYR2):c.10762C>T (p.His3588Tyr)

Gene: RYR2 (ryanodine receptor 2; plus strand). Cytogenetic location: 1q43.
Variant type: single nucleotide variant.
Coding change: c.10762C>T on transcript NM_001035.3 (MANE Select); coding-DNA position 10762, C replaced by T.
Protein change: p.His3588Tyr; replaces histidine 3588 with tyrosine.
Molecular consequence: missense variant.
Genome position (GRCh38, 1-based): chr1:237,727,123, C>T. VCF-style: chr1-237727123-C-T. GRCh37 (hg19) VCF-style: chr1-237890423-C-T.
Other names: short protein forms H3588Y.
Identifiers: ClinVar variation 1784816 (VCV001784816.2), dbSNP rs1446700516, ClinGen allele CA345416866.